The following is an entry in ClinVar:

NM_031448.6(C19orf12):c.-11+181T>C

Genes: C19orf12 (chromosome 19 open reading frame 12; minus strand), LOC130064129 (ATAC-STARR-seq lymphoblastoid silent region 10465; plus strand). Cytogenetic location: 19q12.
Variant type: single nucleotide variant.
Coding change: c.-11+181T>C on transcript NM_031448.6 (MANE Select); 181 bases into the intron after 11 bases upstream of the start codon, T replaced by C.
Molecular consequence: intron variant. On other transcripts: 5 prime UTR variant (2).
Genome position (GRCh38, 1-based): chr19:29,714,944, A>G on the plus strand (T>C on the coding strand, the complement: C19orf12 is on the minus strand). VCF-style: chr19-29714944-A-G. GRCh37 (hg19) VCF-style: chr19-30205851-A-G.
Other names: c.-48T>C (NM_001031726.4); c.-70T>C (NM_001282929.1); c.-11+619T>C (NM_001256047.2); c.-33+181T>C (NM_001282930.3); c.-11+181T>C (NM_001256046.3); c.-324+181T>C (NM_001282931.3).
Identifiers: ClinVar variation 328733 (VCV000328733.8), dbSNP rs186970109, ClinGen allele CA9352018.

ClinVar aggregate classification (germline): Benign/Likely benign. Review status: criteria provided, multiple submitters, no conflicts (2 of 4 stars). 3 submissions from 3 submitters: Benign (1); Likely benign (2). Last evaluated 2024-10-07.

Conditions:
Neurodegeneration with brain iron accumulation 4 (NBIA4). Also called: MITOCHONDRIAL PROTEIN-ASSOCIATED NEURODEGENERATION. Identifiers: Orphanet 289560, MedGen C3280371, MONDO:0013674, OMIM 614298. Disease mechanism: loss of function.

Allele frequency attached by ClinVar (database versions not stated): gnomAD exomes 0.00057 and 0.00104; ExAC 0.00176; 1000 Genomes Project 30x 0.00406; 1000 Genomes Project 0.00419; ESP Exome Variant Server 0.00515; gnomAD 0.00515 and 0.00552; TOPMed 0.00591.

Submissions (4):

Blueprint Genetics
Classification: Likely benign. Last evaluated: 2024-10-07. Review status: criteria provided, single submitter. Criteria: ACMG Guidelines, 2015. Collection method: clinical testing. Allele origin: germline.

Illumina Laboratory Services, Illumina
Classification: Benign for Neurodegeneration with brain iron accumulation 4. Last evaluated: 2018-01-13. Review status: criteria provided, single submitter. Criteria: ICSL Variant Classification Criteria 13 December 2019. Collection method: clinical testing. Allele origin: germline.
Comment: This variant was observed in the ICSL laboratory as part of a predisposition screen in an ostensibly healthy population. It had not been previously curated by ICSL or reported in the Human Gene Mutation Database (HGMD: prior to June 1st, 2018), and was therefore a candidate for classification through an automated scoring system. Utilizing variant allele frequency, disease prevalence and penetrance estimates, and inheritance mode, an automated score was calculated to assess if this variant is too frequent to cause the disease. Based on the score and internal cut-off values, a variant classified as benign is not then subjected to further curation. The score for this variant resulted in a classification of benign for this disease.

GeneDx
Classification: Likely benign. Last evaluated: 2017-09-01. Review status: criteria provided, single submitter. Criteria: GeneDx Variant Classification (06012015). Collection method: clinical testing. Allele origin: germline. Affected: yes.
Comment: This variant is considered likely benign or benign based on one or more of the following criteria: it is a conservative change, it occurs at a poorly conserved position in the protein, it is predicted to be benign by multiple in silico algorithms, and/or has population frequency not consistent with disease.

Seelig Lab, University of Washington
No classification provided (evidence only). Review status: no classification provided. Collection method: in vitro. Allele origin: not applicable. Functional consequence: effect on translation. Not counted in ClinVar's aggregate classification.
ClinVar note: "not provided" was previously submitted as the classification for the variant. However, the classification appeared to be based only on an observation of functional data so it was converted to no classification on 2025-07-30.